The following is an entry in ClinVar:

NM_007327.4(GRIN1):c.1114-3C>T

Gene: GRIN1 (glutamate ionotropic receptor NMDA type subunit 1; plus strand). Cytogenetic location: 9q34.3.
Variant type: single nucleotide variant.
Coding change: c.1114-3C>T on transcript NM_007327.4 (MANE Select); 3 bases into the intron before coding-DNA position 1114, C replaced by T.
Molecular consequence: intron variant.
Genome position (GRCh38, 1-based): chr9:137,158,618, C>T. VCF-style: chr9-137158618-C-T. GRCh37 (hg19) VCF-style: chr9-140053070-C-T.
Other names: c.1177-3C>T (NM_001185090.2, NM_001185091.2); c.1114-3C>T (NM_021569.4, NM_000832.7).
Identifiers: ClinVar variation 834523 (VCV000834523.11), dbSNP rs1833365196, ClinGen allele CA916083093.

ClinVar aggregate classification (germline): Uncertain significance (1 of 4 stars; one submission).

Conditions:
Neurodevelopmental disorder with or without hyperkinetic movements and seizures, autosomal dominant. Also called: Intellectual disability, autosomal dominant 8. Identifiers: MedGen C3280282, MONDO:0013655, OMIM 614254.

Submission:

Labcorp Genetics (formerly Invitae), Labcorp
Classification: Uncertain significance for Neurodevelopmental disorder with or without hyperkinetic movements and seizures, autosomal dominant. Last evaluated: 2019-12-24. Review status: criteria provided, single submitter. Criteria: Invitae Variant Classification Sherloc (09022015). Collection method: clinical testing. Allele origin: germline.
Comment: Nucleotide substitutions within the consensus splice site are a relatively common cause of aberrant splicing (PMID: 17576681, 9536098). Algorithms developed to predict the effect of sequence changes on RNA splicing suggest that this variant is not likely to affect RNA splicing, but this prediction has not been confirmed by published transcriptional studies. This sequence change falls in intron 7 of the GRIN1 gene. It does not directly change the encoded amino acid sequence of the GRIN1 protein, but it affects a nucleotide within the consensus splice site of the intron. This variant is not present in population databases (ExAC no frequency). This variant has not been reported in the literature in individuals with GRIN1-related conditions. In summary, the available evidence is currently insufficient to determine the role of this variant in disease. Therefore, it has been classified as a Variant of Uncertain Significance.

Literature cited by the submitters: PubMed 17576681; PubMed 9536098.